The following is an entry in ClinVar:

ClinVar aggregate classification (germline): Uncertain significance. Review status: criteria provided, multiple submitters, no conflicts (2 of 4 stars). 3 submissions from 3 submitters: Uncertain significance (3). Last evaluated 2026-08-01.

Conditions:
CDHR1-related disorder. Also called: CDHR1-related condition.

Allele frequency attached by ClinVar (database versions not stated): ESP Exome Variant Server 0.00015.
gnomAD v4.1: 25 of 1,614,084 alleles (0.0015%); highest among the groups gnomAD compares: African/African-American, 0.027%; no homozygotes.

Submissions (3):

PreventionGenetics, part of Exact Sciences
Classification: Uncertain significance for CDHR1-related condition. Last evaluated: 2026-08-01. Review status: criteria provided, single submitter. Criteria: ACMG Guidelines, 2015. Collection method: clinical testing. Allele origin: germline.
Comment: The CDHR1 c.1400A>T variant is predicted to result in the amino acid substitution p.Asp467Val. To our knowledge, this variant has not been reported in the literature. This variant is reported in 0.037% of alleles in individuals of African descent in gnomAD. At this time, the clinical significance of this variant is uncertain due to the absence of conclusive functional and genetic evidence.

Labcorp Genetics (formerly Invitae), Labcorp
Classification: Uncertain significance. Last evaluated: 2022-08-15. Review status: criteria provided, single submitter. Criteria: Invitae Variant Classification Sherloc (09022015). Collection method: clinical testing. Allele origin: germline.
Comment: This sequence change replaces aspartic acid, which is acidic and polar, with valine, which is neutral and non-polar, at codon 467 of the CDHR1 protein (p.Asp467Val). This variant is present in population databases (rs146934914, gnomAD 0.03%). This variant has not been reported in the literature in individuals affected with CDHR1-related conditions. Advanced modeling of protein sequence and biophysical properties (such as structural, functional, and spatial information, amino acid conservation, physicochemical variation, residue mobility, and thermodynamic stability) performed at Invitae indicates that this missense variant is expected to disrupt CDHR1 protein function. In summary, the available evidence is currently insufficient to determine the role of this variant in disease. Therefore, it has been classified as a Variant of Uncertain Significance.

Blueprint Genetics
Classification: Uncertain significance. Last evaluated: 2021-12-23. Review status: criteria provided, single submitter. Criteria: ACMG Guidelines, 2015. Collection method: clinical testing. Allele origin: germline.

NM_033100.4(CDHR1):c.1400A>T (p.Asp467Val)

Gene: CDHR1 (cadherin related family member 1; plus strand). Cytogenetic location: 10q23.1.
Variant type: single nucleotide variant.
Coding change: c.1400A>T on transcript NM_033100.4 (MANE Select); coding-DNA position 1400, A replaced by T.
Protein change: p.Asp467Val; replaces aspartic acid 467 with valine.
Molecular consequence: missense variant.
Genome position (GRCh38, 1-based): chr10:84,211,080, A>T. VCF-style: chr10-84211080-A-T. GRCh37 (hg19) VCF-style: chr10-85970836-A-T.
Other names: c.1400A>T, p.Asp467Val (NM_001171971.3); c.1400A>T (NM_033100.3); short protein forms D467V.
Identifiers: ClinVar variation 1938056 (VCV001938056.4), dbSNP rs146934914, ClinGen allele CA5579928.